The following is an entry in ClinVar:

ClinVar aggregate classification (germline): Benign/Likely benign. Review status: criteria provided, multiple submitters, no conflicts (2 of 4 stars). 4 submissions from 4 submitters: Benign (1); Likely benign (3). Last evaluated 2026-01-12.

Conditions:
LRP5-related disorder. Also called: LRP5-related condition.

Allele frequency attached by ClinVar (database versions not stated): gnomAD exomes 0.00004 and 0.00008; ESP Exome Variant Server 0.00008; ExAC 0.00009; 1000 Genomes Project 0.00020; gnomAD 0.00020 and 0.00024; TOPMed 0.00026; 1000 Genomes Project 30x 0.00031.
gnomAD v4.1: 84 of 1,614,068 alleles (0.0052%); highest among the groups gnomAD compares: African/African-American, 0.071%; no homozygotes.

Submissions (4):

Women's Health and Genetics/Laboratory Corporation of America, LabCorp
Classification: Benign. Last evaluated: 2026-01-12. Review status: criteria provided, single submitter. Criteria: LabCorp Variant Classification Summary - May 2015. Collection method: clinical testing. Allele origin: germline.

Labcorp Genetics (formerly Invitae), Labcorp
Classification: Likely benign. Last evaluated: 2025-10-17. Review status: criteria provided, single submitter. Criteria: Invitae Variant Classification Sherloc (09022015). Collection method: clinical testing. Allele origin: germline.

PreventionGenetics, part of Exact Sciences
Classification: Likely benign for LRP5-related condition. Last evaluated: 2025-03-24. Review status: criteria provided, single submitter. Criteria: ACMG Guidelines, 2015. Collection method: clinical testing. Allele origin: germline.
Comment: This variant is classified as likely benign based on ACMG/AMP sequence variant interpretation guidelines (Richards et al. 2015 PMID: 25741868, with internal and published modifications).

Blueprint Genetics
Classification: Likely benign. Last evaluated: 2024-02-07. Review status: criteria provided, single submitter. Criteria: ACMG Guidelines, 2015. Collection method: clinical testing. Allele origin: germline.

NM_002335.4(LRP5):c.519G>A (p.Thr173=)

Gene: LRP5 (LDL receptor related protein 5; plus strand). Cytogenetic location: 11q13.2.
Variant type: single nucleotide variant.
Coding change: c.519G>A on transcript NM_002335.4 (MANE Select); coding-DNA position 519, G replaced by A.
Protein change: p.Thr173=; no amino-acid change (threonine 173 retained).
Molecular consequence: synonymous variant. On other transcripts: 5 prime UTR variant (1).
Genome position (GRCh38, 1-based): chr11:68,357,680, G>A. VCF-style: chr11-68357680-G-A. GRCh37 (hg19) VCF-style: chr11-68125148-G-A.
Other names: c.519G>A (NM_002335.3); c.-1247G>A (NM_001291902.2).
Identifiers: ClinVar variation 1135484 (VCV001135484.12), dbSNP rs148128016, ClinGen allele CA6149039.